The following is an entry in ClinVar:

NM_019098.5(CNGB3):c.129+3A>G

Gene: CNGB3 (cyclic nucleotide gated channel subunit beta 3; minus strand). Cytogenetic location: 8q21.3.
Variant type: single nucleotide variant.
Coding change: c.129+3A>G on transcript NM_019098.5 (MANE Select); 3 bases into the intron after coding-DNA position 129, A replaced by G.
Molecular consequence: intron variant.
Genome position (GRCh38, 1-based): chr8:86,743,496, T>C on the plus strand (A>G on the coding strand, the complement: CNGB3 is on the minus strand). VCF-style: chr8-86743496-T-C. GRCh37 (hg19) VCF-style: chr8-87755724-T-C.
Identifiers: ClinVar variation 1420209 (VCV001420209.4), dbSNP rs199752239, ClinGen allele CA4800528.

ClinVar aggregate classification (germline): Uncertain significance (1 of 4 stars; one submission).

Allele frequency attached by ClinVar (database versions not stated): gnomAD exomes below 0.00001; ExAC 0.00001; gnomAD 0.00001; 1000 Genomes Project 30x 0.00016; 1000 Genomes Project 0.00020.
gnomAD v4.1: 1 of 1,613,974 alleles (0.000062%); highest among the groups gnomAD compares: Non-Finnish European, 0.000085%; no homozygotes.

Submission:

Labcorp Genetics (formerly Invitae), Labcorp
Classification: Uncertain significance. Last evaluated: 2025-08-15. Review status: criteria provided, single submitter. Criteria: Invitae Variant Classification Sherloc (09022015). Collection method: clinical testing. Allele origin: germline.
Comment: This sequence change falls in intron 1 of the CNGB3 gene. It does not directly change the encoded amino acid sequence of the CNGB3 protein. It affects a nucleotide within the consensus splice site. This variant is present in population databases (rs199752239, gnomAD 0.0009%). This variant has not been reported in the literature in individuals affected with CNGB3-related conditions. ClinVar contains an entry for this variant (Variation ID: 1420209). Variants that disrupt the consensus splice site are a relatively common cause of aberrant splicing (PMID: 17576681, 9536098). Algorithms developed to predict the effect of sequence changes on RNA splicing suggest that this variant may disrupt the consensus splice site. In summary, the available evidence is currently insufficient to determine the role of this variant in disease. Therefore, it has been classified as a Variant of Uncertain Significance.

Literature cited by the submitters: PubMed 17576681; PubMed 9536098.